The following is an entry in ClinVar:

NM_000038.6(APC):c.5973G>T (p.Glu1991Asp)

Gene: APC (APC regulator of Wnt signaling pathway; plus strand). Cytogenetic location: 5q22.2.
Variant type: single nucleotide variant.
Coding change: c.5973G>T on transcript NM_000038.6 (MANE Select); coding-DNA position 5973, G replaced by T.
Protein change: p.Glu1991Asp; replaces glutamic acid 1991 with aspartic acid.
Molecular consequence: missense variant. On other transcripts: non-coding transcript variant (2).
Genome position (GRCh38, 1-based): chr5:112,841,567, G>T. VCF-style: chr5-112841567-G-T. GRCh37 (hg19) VCF-style: chr5-112177264-G-T.
Other names: c.5973G>T, p.Glu1991Asp (NM_001127510.3, NM_001354895.2, NM_001407450.1); c.5919G>T, p.Glu1973Asp (NM_001127511.3); c.6027G>T, p.Glu2009Asp (NM_001354896.2, NM_001407447.1, NM_001407448.1 and 1 more transcripts); c.6003G>T, p.Glu2001Asp (NM_001354897.2); c.5898G>T, p.Glu1966Asp (NM_001354898.2); c.5889G>T, p.Glu1963Asp (NM_001354899.2); c.5850G>T, p.Glu1950Asp (NM_001354900.2); c.5796G>T, p.Glu1932Asp (NM_001354901.2, NM_001407453.1); and 11 more; short protein forms E1900D, E1966D, E1981D, E1831D, E1862D, E1890D, E1963D, E2001D.
Identifiers: ClinVar variation 3927420 (VCV003927420.1).

ClinVar aggregate classification (germline): Uncertain significance (1 of 4 stars; one submission).

Conditions:
Hereditary cancer-predisposing syndrome. Also called: Hereditary Cancer Syndrome; Hereditary neoplastic syndrome; Neoplastic Syndromes, Hereditary; Tumor predisposition. Identifiers: Orphanet 140162, MedGen C0027672, MeSH D009386, MONDO:0015356.

Submission:

Ambry Genetics
Classification: Uncertain significance for Hereditary cancer-predisposing syndrome. Last evaluated: 2025-03-28. Review status: criteria provided, single submitter. Criteria: Ambry Variant Classification Scheme 2023. Collection method: clinical testing. Allele origin: germline.
Comment: The p.E1991D variant (also known as c.5973G>T), located in coding exon 15 of the APC gene, results from a G to T substitution at nucleotide position 5973. The glutamic acid at codon 1991 is replaced by aspartic acid, an amino acid with highly similar properties. This amino acid position is conserved. In addition, in silico predictors for this gene do not accurately predict pathogenicity. Based on the available evidence, the clinical significance of this variant remains unclear.